The following is an entry in ClinVar:

ClinVar aggregate classification (germline): Uncertain significance (1 of 4 stars; one submission).

Submission:

Labcorp Genetics (formerly Invitae), Labcorp
Classification: Uncertain significance. Last evaluated: 2022-09-14. Review status: criteria provided, single submitter. Criteria: Invitae Variant Classification Sherloc (09022015). Collection method: clinical testing. Allele origin: germline.
Comment: In summary, the available evidence is currently insufficient to determine the role of this variant in disease. Therefore, it has been classified as a Variant of Uncertain Significance. Advanced modeling of protein sequence and biophysical properties (such as structural, functional, and spatial information, amino acid conservation, physicochemical variation, residue mobility, and thermodynamic stability) has been performed at Invitae for this missense variant, however the output from this modeling did not meet the statistical confidence thresholds required to predict the impact of this variant on SCN3A protein function. This sequence change replaces serine, which is neutral and polar, with cysteine, which is neutral and slightly polar, at codon 1616 of the SCN3A protein (p.Ser1616Cys). This variant is not present in population databases (gnomAD no frequency). This variant has not been reported in the literature in individuals affected with SCN3A-related conditions.

NM_006922.4(SCN3A):c.4847C>G (p.Ser1616Cys)

Gene: SCN3A (sodium voltage-gated channel alpha subunit 3; minus strand). Cytogenetic location: 2q24.3.
Variant type: single nucleotide variant.
Coding change: c.4847C>G on transcript NM_006922.4 (MANE Select); coding-DNA position 4847, C replaced by G.
Protein change: p.Ser1616Cys; replaces serine 1616 with cysteine.
Molecular consequence: missense variant.
Genome position (GRCh38, 1-based): chr2:165,091,306, G>C on the plus strand (C>G on the coding strand, the complement: SCN3A is on the minus strand). VCF-style: chr2-165091306-G-C. GRCh37 (hg19) VCF-style: chr2-165947816-G-C.
Other names: c.4700C>G, p.Ser1567Cys (NM_001081676.2, NM_001081677.2); short protein forms S1567C, S1616C.
Identifiers: ClinVar variation 1719446 (VCV001719446.5), dbSNP rs2468042399, ClinGen allele CA349018352.